The following is an entry in ClinVar:

ClinVar aggregate classification (germline): Uncertain significance (1 of 4 stars; one submission).

Conditions:
Inborn genetic diseases. Identifiers: MedGen C0950123, MeSH D030342.

Submission:

Ambry Genetics
Classification: Uncertain significance for Inborn genetic diseases. Last evaluated: 2025-07-16. Review status: criteria provided, single submitter. Criteria: Ambry Variant Classification Scheme 2023. Collection method: clinical testing. Allele origin: germline.
Comment: The p.T30I variant (also known as c.89C>T), located in coding exon 2 of the ASXL1 gene, results from a C to T substitution at nucleotide position 89. The threonine at codon 30 is replaced by isoleucine, an amino acid with similar properties. This amino acid position is conserved. In addition, the in silico prediction for this alteration is inconclusive. Based on the available evidence, the clinical significance of this variant remains unclear.

NM_015338.6(ASXL1):c.89C>T (p.Thr30Ile)

Gene: ASXL1 (ASXL transcriptional regulator 1; plus strand). Cytogenetic location: 20q11.21.
Variant type: single nucleotide variant.
Coding change: c.89C>T on transcript NM_015338.6 (MANE Select); coding-DNA position 89, C replaced by T.
Protein change: p.Thr30Ile; replaces threonine 30 with isoleucine.
Molecular consequence: missense variant.
Genome position (GRCh38, 1-based): chr20:32,366,415, C>T. VCF-style: chr20-32366415-C-T. GRCh37 (hg19) VCF-style: chr20-30954218-C-T.
Other names: c.89C>T, p.Thr30Ile (NM_001164603.1); c.59C>T, p.Thr20Ile (NM_001363734.1); short protein forms T20I, T30I.
Identifiers: ClinVar variation 4158269 (VCV004158269.1).